The following is an entry in ClinVar:

ClinVar aggregate classification (germline): Uncertain significance (1 of 4 stars; one submission).

Conditions:
Neuroblastoma, susceptibility to, 3. Also called: ALK-Related Neuroblastic Tumor Susceptibility. Identifiers: Orphanet 635, MedGen C2751681, MONDO:0013083, OMIM 613014.

Submission:

Labcorp Genetics (formerly Invitae), Labcorp
Classification: Uncertain significance for Neuroblastoma, susceptibility to, 3. Last evaluated: 2025-03-31. Review status: criteria provided, single submitter. Criteria: Invitae Variant Classification Sherloc (09022015). Collection method: clinical testing. Allele origin: germline.
Comment: This sequence change replaces glutamic acid, which is acidic and polar, with lysine, which is basic and polar, at codon 1406 of the ALK protein (p.Glu1406Lys). This variant is not present in population databases (gnomAD no frequency). This variant has not been reported in the literature in individuals affected with ALK-related conditions. ClinVar contains an entry for this variant (Variation ID: 944049). An algorithm developed to predict the effect of missense changes on protein structure and function (PolyPhen-2) suggests that this variant is likely to be tolerated. In summary, the available evidence is currently insufficient to determine the role of this variant in disease. Therefore, it has been classified as a Variant of Uncertain Significance.

NM_004304.5(ALK):c.4216G>A (p.Glu1406Lys)

Gene: ALK (ALK receptor tyrosine kinase; minus strand). Cytogenetic location: 2p23.2.
Variant type: single nucleotide variant.
Coding change: c.4216G>A on transcript NM_004304.5 (MANE Select); coding-DNA position 4216, G replaced by A.
Protein change: p.Glu1406Lys; replaces glutamic acid 1406 with lysine.
Molecular consequence: missense variant.
Genome position (GRCh38, 1-based): chr2:29,193,871, C>T on the plus strand (G>A on the coding strand, the complement: ALK is on the minus strand). VCF-style: chr2-29193871-C-T. GRCh37 (hg19) VCF-style: chr2-29416737-C-T.
Other names: c.1012G>A, p.Glu338Lys (NM_001353765.2); short protein forms E1406K, E338K.
Identifiers: ClinVar variation 944049 (VCV000944049.9), dbSNP rs1668955167, ClinGen allele CA346463285.